The following is an entry in ClinVar:

NM_000428.3(LTBP2):c.3716C>T (p.Ser1239Phe)

Gene: LTBP2 (latent transforming growth factor beta binding protein 2; minus strand). Cytogenetic location: 14q24.3.
Variant type: single nucleotide variant.
Coding change: c.3716C>T on transcript NM_000428.3 (MANE Select); coding-DNA position 3716, C replaced by T.
Protein change: p.Ser1239Phe; replaces serine 1239 with phenylalanine.
Molecular consequence: missense variant.
Genome position (GRCh38, 1-based): chr14:74,508,032, G>A on the plus strand (C>T on the coding strand, the complement: LTBP2 is on the minus strand). VCF-style: chr14-74508032-G-A. GRCh37 (hg19) VCF-style: chr14-74974735-G-A.
Other names: short protein forms S1239F.
Identifiers: ClinVar variation 1912879 (VCV001912879.5), dbSNP rs558468335, ClinGen allele CA7269060.

ClinVar aggregate classification (germline): Uncertain significance (1 of 4 stars; one submission).

Allele frequency attached by ClinVar (database versions not stated): gnomAD 0.00001; gnomAD exomes 0.00002; ExAC 0.00007; 1000 Genomes Project 30x 0.00016; 1000 Genomes Project 0.00020.
gnomAD v4.1: 25 of 1,614,000 alleles (0.0015%); highest among the groups gnomAD compares: South Asian, 0.025%; no homozygotes.

Submission:

Labcorp Genetics (formerly Invitae), Labcorp
Classification: Uncertain significance. Last evaluated: 2022-04-25. Review status: criteria provided, single submitter. Criteria: Invitae Variant Classification Sherloc (09022015). Collection method: clinical testing. Allele origin: germline.
Comment: In summary, the available evidence is currently insufficient to determine the role of this variant in disease. Therefore, it has been classified as a Variant of Uncertain Significance. Algorithms developed to predict the effect of missense changes on protein structure and function (SIFT, PolyPhen-2, Align-GVGD) all suggest that this variant is likely to be disruptive. This variant has not been reported in the literature in individuals affected with LTBP2-related conditions. This variant is present in population databases (rs558468335, gnomAD 0.04%). This sequence change replaces serine, which is neutral and polar, with phenylalanine, which is neutral and non-polar, at codon 1239 of the LTBP2 protein (p.Ser1239Phe).